The following is an entry in ClinVar:

NC_000017.10:g.(?_29592237)_(29592367_?)del

Gene: NF1 (neurofibromin 1; plus strand). Cytogenetic location: 17q11.2.
Variant type: Deletion.
Identifiers: ClinVar variation 1360732 (VCV001360732.5).

ClinVar aggregate classification (germline): Pathogenic (1 of 4 stars; one submission).

Conditions:
Neurofibromatosis, type 1 (NF1). Also called: NEUROFIBROMATOSIS, TYPE I, SOMATIC; VON RECKLINGHAUSEN DISEASE; Neurofibromatosis, type I; Peripheral type neurofibromatosis. Identifiers: Orphanet 636, MedGen C0027831, MONDO:0018975, OMIM 162200. Disease mechanism: loss of function.

Submission:

Labcorp Genetics (formerly Invitae), Labcorp
Classification: Pathogenic for Neurofibromatosis, type 1. Last evaluated: 2022-10-30. Review status: criteria provided, single submitter. Criteria: Invitae Variant Classification Sherloc (09022015). Collection method: clinical testing. Allele origin: germline.
Comment: For these reasons, this variant has been classified as Pathogenic. This variant disrupts a region of the NF1 protein in which other variant(s) (p.Phe1572Ser ) have been determined to be pathogenic (PMID: 27322474). This suggests that this is a clinically significant region of the protein, and that variants that disrupt it are likely to be disease-causing. This variant is also known as deletion of exon 36. A similar copy number variant has been observed in individual(s) with clinical features of neurofibromatosis type 1 (PMID: 26189818). This variant is a gross deletion of the genomic region encompassing exon(s) 35 of the NF1 gene. This variant would be expected to be in-frame, preserving the integrity of the reading frame.

Literature cited by the submitters: PubMed 27322474; PubMed 26189818.